The following is an entry in ClinVar:

NM_016107.5(ZFR):c.2422C>T (p.Leu808Phe)

Gene: ZFR (zinc finger RNA binding protein; minus strand). Cytogenetic location: 5p13.3.
Variant type: single nucleotide variant.
Coding change: c.2422C>T on transcript NM_016107.5 (MANE Select); coding-DNA position 2422, C replaced by T.
Protein change: p.Leu808Phe; replaces leucine 808 with phenylalanine.
Molecular consequence: missense variant. On other transcripts: non-coding transcript variant (1).
Genome position (GRCh38, 1-based): chr5:32,387,626, G>A on the plus strand (C>T on the coding strand, the complement: ZFR is on the minus strand). VCF-style: chr5-32387626-G-A. GRCh37 (hg19) VCF-style: chr5-32387732-G-A.
Other names: short protein forms L808F.
Identifiers: ClinVar variation 2915276 (VCV002915276.3), dbSNP rs2478354782, ClinGen allele CA359353537.

ClinVar aggregate classification (germline): Uncertain significance (1 of 4 stars; one submission).

Conditions:
Pure or complex autosomal recessive spastic paraplegia. Identifiers: Orphanet 320346, MedGen C5679887, MONDO:0017915.

Submission:

Labcorp Genetics (formerly Invitae), Labcorp
Classification: Uncertain significance for Pure or complex autosomal recessive spastic paraplegia. Last evaluated: 2023-06-23. Review status: criteria provided, single submitter. Criteria: Invitae Variant Classification Sherloc (09022015). Collection method: clinical testing. Allele origin: germline.
Comment: This sequence change replaces leucine, which is neutral and non-polar, with phenylalanine, which is neutral and non-polar, at codon 808 of the ZFR protein (p.Leu808Phe). This variant is not present in population databases (gnomAD no frequency). In summary, the available evidence is currently insufficient to determine the role of this variant in disease. Therefore, it has been classified as a Variant of Uncertain Significance. Experimental studies and prediction algorithms are not available or were not evaluated, and the functional significance of this variant is currently unknown. This variant has not been reported in the literature in individuals affected with ZFR-related conditions.